The following is an entry in ClinVar:

NM_004990.4(MARS1):c.2663_2664delinsTT (p.Gly888Val)

Gene: MARS1 (methionyl-tRNA synthetase 1; plus strand). Cytogenetic location: 12q13.3.
Variant type: Indel.
Coding change: c.2663_2664delinsTT on transcript NM_004990.4 (MANE Select); coding-DNA positions 2663 to 2664, GG replaced by TT.
Protein change: p.Gly888Val; replaces glycine 888 with valine.
Molecular consequence: missense variant.
Genome position (GRCh38, 1-based): chr12:57,516,541-57,516,542, GG replaced by TT. VCF-style: chr12-57516541-GG-TT. GRCh37 (hg19) VCF-style: chr12-57910324-GG-TT.
Other names: short protein forms G888V.
Identifiers: ClinVar variation 4784281 (VCV004784281.1).
Genomic context (GRCh38, chr12:57,516,541, plus strand): 5'-AGGTTGCTGCGGAGGTGGCGAAACTCTTGGATCTAAAGAAACAGTTGGCTGTAGCTGAGG[GG>TT]AAACCCCCTGAAGCCCCTAAAGGCAAGAAGAAAAAGTAAAAGACCTTGGCTCATAGAAAG-3'
Protein context (NP_004981.2, residues 878-898): DLKKQLAVAE[Gly888Val]KPPEAPKGKK

ClinVar aggregate classification (germline): Uncertain significance (1 of 4 stars; one submission).

Conditions:
Severe early-onset pulmonary alveolar proteinosis due to MARS deficiency. Also called: PULMONARY ALVEOLAR PROTEINOSIS, REUNION ISLAND; Interstitial lung and liver disease. Identifiers: Orphanet 440427, MedGen C4225400, MONDO:0014206, OMIM 615486.
Charcot-Marie-Tooth disease axonal type 2U. Also called: CHARCOT-MARIE-TOOTH NEUROPATHY, TYPE 2U; CHARCOT-MARIE-TOOTH DISEASE, AXONAL, AUTOSOMAL DOMINANT, TYPE 2U. Identifiers: Orphanet 397735, MedGen C4084821, MONDO:0014566, OMIM 616280.

Submission:

Labcorp Genetics (formerly Invitae), Labcorp
Classification: Uncertain significance for Charcot-Marie-Tooth disease axonal type 2U; Severe early-onset pulmonary alveolar proteinosis due to MARS deficiency. Last evaluated: 2025-02-26. Review status: criteria provided, single submitter. Criteria: Invitae Variant Classification Sherloc (09022015). Collection method: clinical testing. Allele origin: germline.
Comment: This sequence change replaces glycine, which is neutral and non-polar, with valine, which is neutral and non-polar, at codon 888 of the MARS protein (p.Gly888Val). Information on the frequency of this variant in the gnomAD database is not available, as this variant may be reported differently in the database. This variant has not been reported in the literature in individuals affected with MARS-related conditions. Experimental studies and prediction algorithms are not available or were not evaluated, and the functional significance of this variant is currently unknown. In summary, the available evidence is currently insufficient to determine the role of this variant in disease. Therefore, it has been classified as a Variant of Uncertain Significance.